The following is an entry in ClinVar:

NM_024675.4(PALB2):c.2517T>G (p.Thr839=)

Gene: PALB2 (partner and localizer of BRCA2; minus strand). Cytogenetic location: 16p12.2.
Variant type: single nucleotide variant.
Coding change: c.2517T>G on transcript NM_024675.4 (MANE Select); coding-DNA position 2517, T replaced by G.
Protein change: p.Thr839=; no amino-acid change (threonine 839 retained).
Molecular consequence: synonymous variant.
Genome position (GRCh38, 1-based): chr16:23,629,273, A>C on the plus strand (T>G on the coding strand, the complement: PALB2 is on the minus strand). VCF-style: chr16-23629273-A-C. GRCh37 (hg19) VCF-style: chr16-23640594-A-C.
Identifiers: ClinVar variation 492188 (VCV000492188.6), dbSNP rs1555460224, ClinGen allele CA494163580.
Genomic context (GRCh38, chr16:23,629,273, plus strand): 5'-TGAAACCAATTGTAGGTTGCCTGGGTTTATGCTATCAGAAGCAGGAAGCTCTGCTGTTTC[A>C]GTCTGTGAAAACAAAAGTCACATCATTAGTCTACACTTTATGTATAATGTCTGCCTGCAT-3'
Protein context (NP_078951.2, residues 829-849): QELHKHSVEQ[Thr839=]ETAELPASDS

ClinVar aggregate classification (germline): Benign/Likely benign. Review status: criteria provided, multiple submitters, no conflicts (2 of 4 stars). 3 submissions from 3 submitters: Benign (1); Likely benign (2). Last evaluated 2025-01-16.

Conditions:
Familial cancer of breast. Also called: Hereditary breast cancer; hereditary breast carcinoma; BREAST CANCER, FAMILIAL. Identifiers: Orphanet 227535, MedGen C0346153, MONDO:0016419, OMIM 114480. Disease mechanism: loss of function.
Hereditary cancer-predisposing syndrome. Also called: Hereditary neoplastic syndrome; Tumor predisposition; Hereditary Cancer Syndrome; Neoplastic Syndromes, Hereditary. Identifiers: Orphanet 140162, MedGen C0027672, MeSH D009386, MONDO:0015356.

gnomAD v4.1: 1 of 1,613,266 alleles (0.000062%); highest among the groups gnomAD compares: Middle Eastern, 0.016%; no homozygotes.

Submissions (3):

Myriad Genetics, Inc.
Classification: Benign for Familial cancer of breast. Last evaluated: 2025-01-16. Review status: criteria provided, single submitter. Criteria: Myriad Autosomal Dominant, Autosomal Recessive and X-Linked Classification Criteria (2023). Collection method: clinical testing. Allele origin: unknown.
Comment: This variant is considered benign. This variant is a silent/synonymous amino acid change and it is not expected to impact splicing.

Ambry Genetics
Classification: Likely benign for Hereditary cancer-predisposing syndrome. Last evaluated: 2020-02-18. Review status: criteria provided, single submitter. Criteria: Ambry Variant Classification Scheme 2023. Collection method: clinical testing. Allele origin: germline.

Color Diagnostics, LLC DBA Color Health
Classification: Likely benign for Hereditary cancer-predisposing syndrome. Last evaluated: 2017-08-28. Review status: criteria provided, single submitter. Criteria: ACMG Guidelines, 2015. Collection method: clinical testing. Allele origin: germline.